The following is an entry in ClinVar:

NM_000875.5(IGF1R):c.869G>A (p.Ser290Asn)

Gene: IGF1R (insulin like growth factor 1 receptor; plus strand). Cytogenetic location: 15q26.3.
Variant type: single nucleotide variant.
Coding change: c.869G>A on transcript NM_000875.5 (MANE Select); coding-DNA position 869, G replaced by A.
Protein change: p.Ser290Asn; replaces serine 290 with asparagine.
Molecular consequence: missense variant.
Genome position (GRCh38, 1-based): chr15:98,891,553, G>A. VCF-style: chr15-98891553-G-A. GRCh37 (hg19) VCF-style: chr15-99434782-G-A.
Other names: c.869G>A, p.Ser290Asn (NM_001291858.2); short protein forms S290N.
Identifiers: ClinVar variation 4701492 (VCV004701492.1).

ClinVar aggregate classification (germline): Uncertain significance (1 of 4 stars; one submission).

Submission:

Labcorp Genetics (formerly Invitae), Labcorp
Classification: Uncertain significance. Last evaluated: 2025-08-15. Review status: criteria provided, single submitter. Criteria: Invitae Variant Classification Sherloc (09022015). Collection method: clinical testing. Allele origin: germline.
Comment: This sequence change replaces serine, which is neutral and polar, with asparagine, which is neutral and polar, at codon 290 of the IGF1R protein (p.Ser290Asn). This variant is not present in population databases (gnomAD no frequency). This variant has not been reported in the literature in individuals affected with IGF1R-related conditions. An algorithm developed to predict the effect of missense changes on protein structure and function outputs the following: PolyPhen-2: "Benign". The asparagine amino acid residue is found in multiple mammalian species, which suggests that this missense change does not adversely affect protein function. In summary, the available evidence is currently insufficient to determine the role of this variant in disease. Therefore, it has been classified as a Variant of Uncertain Significance.